The following is an entry in ClinVar:

GRCh37/hg19 7p22.3(chr7:44935-1750797)x1

Genes: ADAP1 (ArfGAP with dual PH domains 1; minus strand), CHLSN (cholesin; minus strand), COX19 (cytochrome c oxidase assembly factor COX19; minus strand), CYP2W1 (cytochrome P450 family 2 subfamily W member 1; plus strand), DNAAF5 (dynein axonemal assembly factor 5; plus strand) and 15 more. Cytogenetic location: 7p22.3.
Variant type: copy number loss.
Change: copy number 1 (one copy instead of two) of chr7:44,935-1,750,797 (1.71 Mb, GRCh37 coordinates, 1-based), cytogenetic band 7p22.3.
Identifiers: ClinVar variation 816483 (VCV000816483.2).

ClinVar aggregate classification (germline): Pathogenic (1 of 4 stars; one submission).

Submission:

Clinical Genomics Laboratory, Laboratory for Precision Diagnostics, University of Washington
Classification: Pathogenic. Last evaluated: 2018-02-02. Review status: criteria provided, single submitter. Criteria: Clinical Cytogenomics Laboratory Policy on CNV Interpretation. Collection method: clinical testing. Allele origin: unknown. Affected: yes. Observed: 1 variant allele.

Literature cited by the submitters: PubMed 29274487; PubMed 21671376; PubMed 27633570; PubMed 28440577.